The following is an entry in ClinVar:

ClinVar aggregate classification (germline): Uncertain significance (1 of 4 stars; one submission).

Allele frequency attached by ClinVar (database versions not stated): gnomAD exomes below 0.00001; TOPMed below 0.00001.
gnomAD v4.1: 1 of 1,614,158 alleles (0.000062%); highest among the groups gnomAD compares: African/African-American, 0.0013%; no homozygotes.

Submission:

Labcorp Genetics (formerly Invitae), Labcorp
Classification: Uncertain significance. Last evaluated: 2023-10-13. Review status: criteria provided, single submitter. Criteria: Invitae Variant Classification Sherloc (09022015). Collection method: clinical testing. Allele origin: germline.
Comment: This sequence change affects an acceptor splice site in intron 23 of the MICAL1 gene. It is expected to disrupt RNA splicing. Variants that disrupt the donor or acceptor splice site typically lead to a loss of protein function (PMID: 16199547), however the current clinical and genetic evidence is not sufficient to establish whether loss-of-function variants in MICAL1 cause disease. This variant is not present in population databases (gnomAD no frequency). This variant has not been reported in the literature in individuals affected with MICAL1-related conditions. Algorithms developed to predict the effect of sequence changes on RNA splicing suggest that this variant may disrupt the consensus splice site. In summary, the available evidence is currently insufficient to determine the role of this variant in disease. Therefore, it has been classified as a Variant of Uncertain Significance.

Literature cited by the submitters: PubMed 16199547.

NM_022765.4(MICAL1):c.2982-2A>G

Gene: MICAL1 (microtubule associated monooxygenase, calponin and LIM domain containing 1; minus strand). Cytogenetic location: 6q21.
Variant type: single nucleotide variant.
Coding change: c.2982-2A>G on transcript NM_022765.4 (MANE Select); the canonical splice acceptor site of the intron before coding-DNA position 2982, A replaced by G.
Molecular consequence: splice acceptor variant.
Genome position (GRCh38, 1-based): chr6:109,444,800, T>C on the plus strand (A>G on the coding strand, the complement: MICAL1 is on the minus strand). VCF-style: chr6-109444800-T-C. GRCh37 (hg19) VCF-style: chr6-109766003-T-C.
Other names: c.3039-2A>G (NM_001286613.2); c.2724-2A>G (NM_001159291.2).
Identifiers: ClinVar variation 2957667 (VCV002957667.3), dbSNP rs947705181, ClinGen allele CA145116408.